The following is an entry in ClinVar:

ClinVar aggregate classification (germline): Uncertain significance. Review status: criteria provided, multiple submitters, no conflicts (2 of 4 stars). 2 submissions from 2 submitters: Uncertain significance (2). Last evaluated 2023-06-07.

Conditions:
Mitochondrial complex I deficiency, nuclear type 4. Also called: Mitochondrial complex 1 deficiency, nuclear type 4. Identifiers: MedGen C4748753, MONDO:0032609, OMIM 618225.

Allele frequency attached by ClinVar (database versions not stated): gnomAD exomes below 0.00001.
gnomAD v4.1: 1 of 1,614,040 alleles (0.000062%); highest among the groups gnomAD compares: Non-Finnish European, 0.000085%; no homozygotes.

Submissions (2):

Laboratorio de Genetica e Diagnostico Molecular, Hospital Israelita Albert Einstein
Classification: Uncertain significance for Mitochondrial complex I deficiency, nuclear type 4. Last evaluated: 2023-06-07. Review status: criteria provided, single submitter. Criteria: ACMG Guidelines, 2015. Collection method: clinical testing. Allele origin: germline. Affected: yes.
Comment: ACMG classification criteria: PM2 moderate, PP3 supporting

Labcorp Genetics (formerly Invitae), Labcorp
Classification: Uncertain significance. Last evaluated: 2022-08-11. Review status: criteria provided, single submitter. Criteria: Invitae Variant Classification Sherloc (09022015). Collection method: clinical testing. Allele origin: germline.
Comment: In summary, the available evidence is currently insufficient to determine the role of this variant in disease. Therefore, it has been classified as a Variant of Uncertain Significance. Advanced modeling of protein sequence and biophysical properties (such as structural, functional, and spatial information, amino acid conservation, physicochemical variation, residue mobility, and thermodynamic stability) performed at Invitae indicates that this missense variant is expected to disrupt NDUFV1 protein function. This variant has not been reported in the literature in individuals affected with NDUFV1-related conditions. This variant is not present in population databases (gnomAD no frequency). This sequence change replaces tyrosine, which is neutral and polar, with histidine, which is basic and polar, at codon 374 of the NDUFV1 protein (p.Tyr374His).

NM_007103.4(NDUFV1):c.1120T>C (p.Tyr374His)

Genes: NDUFV1 (NADH:ubiquinone oxidoreductase core subunit V1; plus strand), LOC126861242 (CDK7 strongly-dependent group 2 enhancer GRCh37_chr11:67379204-67380403; plus strand). Cytogenetic location: 11q13.2.
Variant type: single nucleotide variant.
Coding change: c.1120T>C on transcript NM_007103.4 (MANE Select); coding-DNA position 1120, T replaced by C.
Protein change: p.Tyr374His; replaces tyrosine 374 with histidine.
Molecular consequence: missense variant.
Genome position (GRCh38, 1-based): chr11:67,611,936, T>C. VCF-style: chr11-67611936-T-C. GRCh37 (hg19) VCF-style: chr11-67379407-T-C.
Other names: c.1093T>C, p.Tyr365His (NM_001166102.2); short protein forms Y365H, Y374H.
Identifiers: ClinVar variation 1970862 (VCV001970862.6), dbSNP rs1280383856, ClinGen allele CA381541561.